The following is an entry in ClinVar:

NM_005502.4(ABCA1):c.5383-20_5383-15dup

Gene: ABCA1 (ATP binding cassette subfamily A member 1; minus strand). Cytogenetic location: 9q31.1.
Variant type: Duplication.
Coding change: c.5383-20_5383-15dup on transcript NM_005502.4 (MANE Select); 20 bases into the intron before coding-DNA position 5383 through 15 bases into the intron before coding-DNA position 5383, 6 bases duplicated (TTTTTT; older notation c.5383-20_5383-15dupTTTTTT).
Molecular consequence: intron variant.
Genome position (GRCh38, 1-based): chr9:104,794,513-104,794,518, AAAAAA duplicated on the plus strand (TTTTTT on the coding strand, the reverse complement: ABCA1 is on the minus strand); duplicating any 6 consecutive bases within chr9:104,794,513-104,794,530 gives the same sequence; the c. name uses the placement nearest the transcript's 3' end. VCF-style (leftmost placement, unchanged base first): chr9-104794512-T-TAAAAAA. GRCh37 (hg19) VCF-style: chr9-107556793-T-TAAAAAA.
Identifiers: ClinVar variation 917677 (VCV000917677.1), dbSNP rs77663187, ClinGen allele CA466502509.

ClinVar aggregate classification (germline): Benign (1 of 4 stars; one submission).

Submission:

Women's Health and Genetics/Laboratory Corporation of America, LabCorp
Classification: Benign. Last evaluated: 2020-02-17. Review status: criteria provided, single submitter. Criteria: LabCorp Variant Classification Summary - May 2015. Collection method: clinical testing. Allele origin: germline.
Comment: Variant summary: ABCA1 c.5383-8_5383-3dupTTTTTT alters multiple nucleotides in a polyT region located close to a canonical splice site. 4/4 computational tools predict no significant impact on normal splicing. However, these predictions have yet to be confirmed by functional studies. The variant was absent in 72042 control chromosomes. The available data on variant occurrences in the general population are insufficient to allow any conclusion about variant significance. To our knowledge, no occurrence of c.5383-8_5383-3dupTTTTTT in individuals affected with Early Onset Coronary Artery Disease and no experimental evidence demonstrating its impact on protein function have been reported. No clinical diagnostic laboratories have submitted clinical-significance assessments for this variant to ClinVar after 2014. Multiple duplication variants have been classified as benign in this region, e.g. c.5383-6_5383-3dupTTTT, c.5383-5_5383-3dupTTT, c.5383-4_5383-3dupTT. Based on the evidence outlined above, the variant was classified as benign.